The following is an entry in ClinVar:

ClinVar aggregate classification (germline): Uncertain significance. Review status: criteria provided, multiple submitters, no conflicts (2 of 4 stars). 2 submissions from 2 submitters: Uncertain significance (2). Last evaluated 2025-02-19.

Conditions:
Inborn genetic diseases. Identifiers: MedGen C0950123, MeSH D030342.

Allele frequency attached by ClinVar (database versions not stated): gnomAD exomes 0.00001; TOPMed 0.00001; ExAC 0.00002.
gnomAD v4.1: 5 of 1,613,772 alleles (0.00031%); highest among the groups gnomAD compares: Admixed American, 0.0083%; no homozygotes.

Submissions (2):

Ambry Genetics
Classification: Uncertain significance for Inborn genetic diseases. Last evaluated: 2025-02-19. Review status: criteria provided, single submitter. Criteria: Ambry Variant Classification Scheme 2023. Collection method: clinical testing. Allele origin: germline.

Labcorp Genetics (formerly Invitae), Labcorp
Classification: Uncertain significance. Last evaluated: 2024-04-02. Review status: criteria provided, single submitter. Criteria: Invitae Variant Classification Sherloc (09022015). Collection method: clinical testing. Allele origin: germline.
Comment: This sequence change replaces valine, which is neutral and non-polar, with aspartic acid, which is acidic and polar, at codon 947 of the EMC1 protein (p.Val947Asp). This variant is present in population databases (rs758659439, gnomAD 0.009%). This variant has not been reported in the literature in individuals affected with EMC1-related conditions. ClinVar contains an entry for this variant (Variation ID: 968013). Advanced modeling of protein sequence and biophysical properties (such as structural, functional, and spatial information, amino acid conservation, physicochemical variation, residue mobility, and thermodynamic stability) performed at Invitae indicates that this missense variant is expected to disrupt EMC1 protein function with a positive predictive value of 80%. In summary, the available evidence is currently insufficient to determine the role of this variant in disease. Therefore, it has been classified as a Variant of Uncertain Significance.

NM_015047.3(EMC1):c.2840T>A (p.Val947Asp)

Genes: EMC1 (ER membrane protein complex subunit 1; minus strand), EMC1-AS1 (EMC1 antisense RNA 1; plus strand). Cytogenetic location: 1p36.13.
Variant type: single nucleotide variant.
Coding change: c.2840T>A on transcript NM_015047.3 (MANE Select); coding-DNA position 2840, T replaced by A.
Protein change: p.Val947Asp; replaces valine 947 with aspartic acid.
Molecular consequence: missense variant.
Genome position (GRCh38, 1-based): chr1:19,219,445, A>T on the plus strand (T>A on the coding strand, the complement: EMC1 is on the minus strand). VCF-style: chr1-19219445-A-T. GRCh37 (hg19) VCF-style: chr1-19545939-A-T.
Other names: c.2837T>A, p.Val946Asp (NM_001271427.2, NM_001271428.2); c.2774T>A, p.Val925Asp (NM_001271429.2); c.2849T>A, p.Val950Asp (NM_001375820.1); c.2846T>A, p.Val949Asp (NM_001375821.1); c.2840T>A (NM_015047.1); short protein forms V946D, V950D, V925D, V947D, V949D.
Identifiers: ClinVar variation 968013 (VCV000968013.10), dbSNP rs758659439, ClinGen allele CA652124.
Genomic context (GRCh38, chr1:19,219,445, plus strand): 5'-CTGCTGATTAACACGTAGTCATAGTCATCCTTCAGAACGTCAAACTGCTTGGATGGGTAG[A>T]CTCGAGTTTGGTAAATGTCCAAACCATAGGCCACAACCTGGAAGGCAGATGGAATAAGAA-3'
Protein context (NP_055862.1, residues 937-957): AYGLDIYQTR[Val947Asp]YPSKQFDVLK